The following is an entry in ClinVar:

NM_004006.3(DMD):c.8470A>G (p.Lys2824Glu)

Gene: DMD (dystrophin; minus strand). Cytogenetic location: Xp21.2.
Variant type: single nucleotide variant.
Coding change: c.8470A>G on transcript NM_004006.3 (MANE Select); coding-DNA position 8470, A replaced by G.
Protein change: p.Lys2824Glu; replaces lysine 2824 with glutamic acid.
Molecular consequence: missense variant.
Genome position (GRCh38, 1-based): chrX:31,496,865, T>C on the plus strand (A>G on the coding strand, the complement: DMD is on the minus strand). VCF-style: chrX-31496865-T-C. GRCh37 (hg19) VCF-style: chrX-31514982-T-C.
Other names: c.8446A>G, p.Lys2816Glu (NM_000109.4); c.8458A>G, p.Lys2820Glu (NM_004009.3); c.8101A>G, p.Lys2701Glu (NM_004010.3); c.4447A>G, p.Lys1483Glu (NM_004011.4); c.4438A>G, p.Lys1480Glu (NM_004012.4); c.1090A>G, p.Lys364Glu (NM_004013.3, NM_004020.4, NM_004021.3 and 2 more transcripts); c.283A>G, p.Lys95Glu (NM_004014.3); short protein forms K1480E, K1483E, K364E, K95E, K2824E, K2701E, K2816E, K2820E.
Identifiers: ClinVar variation 2565087 (VCV002565087.2), dbSNP rs2525733799, ClinGen allele CA412655523.

ClinVar aggregate classification (germline): Uncertain significance (1 of 4 stars; one submission).

Conditions:
Cardiovascular phenotype. Identifiers: MedGen CN230736.

Submission:

Ambry Genetics
Classification: Uncertain significance for Cardiovascular phenotype. Last evaluated: 2023-03-24. Review status: criteria provided, single submitter. Criteria: Ambry Variant Classification Scheme 2023. Collection method: clinical testing. Allele origin: germline.
Comment: The p.K2824E variant (also known as c.8470A>G), located in coding exon 57 of the DMD gene, results from an A to G substitution at nucleotide position 8470. The lysine at codon 2824 is replaced by glutamic acid, an amino acid with similar properties. This amino acid position is highly conserved in available vertebrate species. In addition, the in silico prediction for this alteration is inconclusive. Since supporting evidence is limited at this time, the clinical significance of this alteration remains unclear.